The following is an entry in ClinVar:

ClinVar aggregate classification (germline): Uncertain significance (1 of 4 stars; one submission).

Allele frequency attached by ClinVar (database versions not stated): gnomAD 0.00002.
gnomAD v4.1: 4 of 1,514,668 alleles (0.00026%); highest among the groups gnomAD compares: African/African-American, 0.0058%; no homozygotes.

Submission:

Labcorp Genetics (formerly Invitae), Labcorp
Classification: Uncertain significance. Last evaluated: 2024-04-05. Review status: criteria provided, single submitter. Criteria: Invitae Variant Classification Sherloc (09022015). Collection method: clinical testing. Allele origin: germline.
Comment: This sequence change replaces proline, which is neutral and non-polar, with alanine, which is neutral and non-polar, at codon 71 of the C1QTNF5 protein (p.Pro71Ala). This variant is not present in population databases (gnomAD no frequency). This variant has not been reported in the literature in individuals affected with C1QTNF5-related conditions. ClinVar contains an entry for this variant (Variation ID: 1504509). An algorithm developed to predict the effect of missense changes on protein structure and function (PolyPhen-2) suggests that this variant is likely to be disruptive. Algorithms developed to predict the effect of sequence changes on RNA splicing suggest that this variant may disrupt the consensus splice site. In summary, the available evidence is currently insufficient to determine the role of this variant in disease. Therefore, it has been classified as a Variant of Uncertain Significance.

NM_001278431.2(C1QTNF5):c.211C>G (p.Pro71Ala)

Genes: C1QTNF5 (C1q and TNF related 5; minus strand), MFRP (membrane frizzled-related protein; minus strand). Cytogenetic location: 11q23.3.
Variant type: single nucleotide variant.
Coding change: c.211C>G on transcript NM_001278431.2 (MANE Select); coding-DNA position 211, C replaced by G.
Protein change: p.Pro71Ala; replaces proline 71 with alanine.
Molecular consequence: missense variant. On other transcripts: 3 prime UTR variant (1).
Genome position (GRCh38, 1-based): chr11:119,340,187, G>C on the plus strand (C>G on the coding strand, the complement: C1QTNF5 is on the minus strand). VCF-style: chr11-119340187-G-C. GRCh37 (hg19) VCF-style: chr11-119210897-G-C.
Other names: c.211C>G, p.Pro71Ala (NM_015645.5); c.*1107C>G (NM_031433.4); short protein forms P71A.
Identifiers: ClinVar variation 1504509 (VCV001504509.6), dbSNP rs1450356844, ClinGen allele CA382970215.